The following is an entry in ClinVar:

ClinVar aggregate classification (germline): Uncertain significance (1 of 4 stars; one submission).

Conditions:
Hereditary cancer-predisposing syndrome. Also called: Hereditary Cancer Syndrome; Hereditary neoplastic syndrome; Neoplastic Syndromes, Hereditary; Tumor predisposition. Identifiers: Orphanet 140162, MedGen C0027672, MeSH D009386, MONDO:0015356.

Submission:

Ambry Genetics
Classification: Uncertain significance for Hereditary cancer-predisposing syndrome. Last evaluated: 2018-05-29. Review status: criteria provided, single submitter. Criteria: Ambry Variant Classification Scheme 2023. Collection method: clinical testing. Allele origin: germline.
Comment: The p.K187N variant (also known as c.561G>T), located in coding exon 3 of the MSH6 gene, results from a G to T substitution at nucleotide position 561. The lysine at codon 187 is replaced by asparagine, an amino acid with similar properties. This amino acid position is well conserved in available vertebrate species. In addition, this alteration is predicted to be tolerated by in silico analysis. In addition, the CoDP in silico tool predicts this alteration to have minor impact on molecular function, with a score of 0.000 (Terui H et al. J. Biomed. Sci. 2013 Apr;20:25). Since supporting evidence is limited at this time, the clinical significance of this alteration remains unclear.

NM_000179.3(MSH6):c.561G>T (p.Lys187Asn)

Gene: MSH6 (mutS homolog 6; plus strand). Cytogenetic location: 2p16.3.
Variant type: single nucleotide variant.
Coding change: c.561G>T on transcript NM_000179.3 (MANE Select); coding-DNA position 561, G replaced by T.
Protein change: p.Lys187Asn; replaces lysine 187 with asparagine.
Molecular consequence: missense variant. On other transcripts: 5 prime UTR variant (1), intron variant (2).
Genome position (GRCh38, 1-based): chr2:47,795,997, G>T. VCF-style: chr2-47795997-G-T. GRCh37 (hg19) VCF-style: chr2-48023136-G-T.
Other names: c.-342G>T (NM_001281494.2); c.657G>T, p.Lys219Asn (NM_001406795.1, NM_001406802.1); c.561G>T, p.Lys187Asn (NM_001406796.1, NM_001406798.1, NM_001406800.1 and 5 more transcripts); c.264G>T, p.Lys88Asn (NM_001406797.1, NM_001406801.1, NM_001406805.1 and 10 more transcripts); c.36G>T, p.Lys12Asn (NM_001406799.1, NM_001406806.1, NM_001406807.1); c.483G>T, p.Lys161Asn (NM_001406804.1); c.567G>T, p.Lys189Asn (NM_001406813.1); c.-434G>T (NM_001406814.1); and 3 more; short protein forms K161N, K189N, K88N, K12N, K131N, K187N, K219N.
Identifiers: ClinVar variation 1748690 (VCV001748690.2), dbSNP rs2104236029, ClinGen allele CA346738772.